The following is an entry in ClinVar:

ClinVar aggregate classification (germline): Uncertain significance. Review status: criteria provided, multiple submitters, no conflicts (2 of 4 stars). 4 submissions from 4 submitters: Uncertain significance (4). Last evaluated 2025-01-13.

Conditions:
Early-infantile DEE. Also called: Early infantile epileptic encephalopathy; Early infantile epileptic encephalopathy with suppression bursts; Ohtahara syndrome. Identifiers: Orphanet 1934, MedGen C0393706, MONDO:0800491.
Inborn genetic diseases. Identifiers: MedGen C0950123, MeSH D030342.

Allele frequency attached by ClinVar (database versions not stated): gnomAD 0.00001; gnomAD exomes 0.00002 and 0.00005; TOPMed 0.00002; ExAC 0.00003.
gnomAD v4.1: 24 of 1,613,106 alleles (0.0015%); highest among the groups gnomAD compares: Admixed American, 0.015%; no homozygotes.

Submissions (4):

Labcorp Genetics (formerly Invitae), Labcorp
Classification: Uncertain significance for Early-infantile DEE. Last evaluated: 2025-01-13. Review status: criteria provided, single submitter. Criteria: Invitae Variant Classification Sherloc (09022015). Collection method: clinical testing. Allele origin: germline.
Comment: This sequence change replaces alanine, which is neutral and non-polar, with valine, which is neutral and non-polar, at codon 242 of the SLC25A22 protein (p.Ala242Val). This variant is present in population databases (rs781424186, gnomAD 0.03%). This variant has not been reported in the literature in individuals affected with SLC25A22-related conditions. ClinVar contains an entry for this variant (Variation ID: 198910). Invitae Evidence Modeling of protein sequence and biophysical properties (such as structural, functional, and spatial information, amino acid conservation, physicochemical variation, residue mobility, and thermodynamic stability) indicates that this missense variant is not expected to disrupt SLC25A22 protein function with a negative predictive value of 80%. In summary, the available evidence is currently insufficient to determine the role of this variant in disease. Therefore, it has been classified as a Variant of Uncertain Significance.

Ambry Genetics
Classification: Uncertain significance for Inborn genetic diseases. Last evaluated: 2022-11-08. Review status: criteria provided, single submitter. Criteria: Ambry Variant Classification Scheme 2023. Collection method: clinical testing. Allele origin: germline.

GeneDx
Classification: Uncertain significance. Last evaluated: 2020-07-16. Review status: criteria provided, single submitter. Criteria: GeneDx Variant Classification Process June 2021. Collection method: clinical testing. Allele origin: germline. Affected: yes.
Comment: In silico analysis supports that this missense variant does not alter protein structure/function; Has not been previously published as pathogenic or benign to our knowledge

Eurofins Ntd Llc (ga)
Classification: Uncertain significance. Last evaluated: 2014-05-27. Review status: criteria provided, single submitter. Criteria: EGL Classification Definitions 2015. Collection method: clinical testing. Allele origin: germline. Observed: 1 variant allele, 1 heterozygote.

NM_001191061.2(SLC25A22):c.725C>T (p.Ala242Val)

Gene: SLC25A22 (solute carrier family 25 member 22; minus strand). Cytogenetic location: 11p15.5.
Variant type: single nucleotide variant.
Coding change: c.725C>T on transcript NM_001191061.2 (MANE Select); coding-DNA position 725, C replaced by T.
Protein change: p.Ala242Val; replaces alanine 242 with valine.
Molecular consequence: missense variant.
Genome position (GRCh38, 1-based): chr11:792,321, G>A on the plus strand (C>T on the coding strand, the complement: SLC25A22 is on the minus strand). VCF-style: chr11-792321-G-A. GRCh37 (hg19) VCF-style: chr11-792321-G-A.
Other names: p.A242V:GCC>GTC; c.725C>T, p.Ala242Val (NM_001191060.2, NM_024698.6); short protein forms A242V.
Identifiers: ClinVar variation 198910 (VCV000198910.15), dbSNP rs781424186, ClinGen allele CA247811.